The following is an entry in ClinVar:

ClinVar aggregate classification (germline): Uncertain significance (1 of 4 stars; one submission).

Submission:

GeneDx
Classification: Uncertain significance. Last evaluated: 2022-02-16. Review status: criteria provided, single submitter. Criteria: GeneDx Variant Classification Process June 2021. Collection method: clinical testing. Allele origin: germline. Affected: yes.
Comment: Not observed at significant frequency in large population cohorts (gnomAD); In silico analysis supports that this missense variant does not alter protein structure/function; Has not been previously published as pathogenic or benign to our knowledge

NM_004553.6(NDUFS6):c.85G>A (p.Gly29Arg)

Gene: NDUFS6 (NADH:ubiquinone oxidoreductase subunit S6; plus strand). Cytogenetic location: 5p15.33.
Variant type: single nucleotide variant.
Coding change: c.85G>A on transcript NM_004553.6 (MANE Select); coding-DNA position 85, G replaced by A.
Protein change: p.Gly29Arg; replaces glycine 29 with arginine.
Molecular consequence: missense variant.
Genome position (GRCh38, 1-based): chr5:1,801,502, G>A. VCF-style: chr5-1801502-G-A. GRCh37 (hg19) VCF-style: chr5-1801616-G-A.
Other names: short protein forms G29R.
Identifiers: ClinVar variation 1702687 (VCV001702687.2), dbSNP rs745379467, ClinGen allele CA359088751.